The following is an entry in ClinVar:

ClinVar aggregate classification (germline): Uncertain significance. Review status: criteria provided, multiple submitters, no conflicts (2 of 4 stars). 2 submissions from 2 submitters: Uncertain significance (2). Last evaluated 2023-10-25.

Submissions (2):

Blueprint Genetics
Classification: Uncertain significance. Last evaluated: 2023-10-25. Review status: criteria provided, single submitter. Criteria: ACMG Guidelines, 2015. Collection method: clinical testing. Allele origin: germline.

Labcorp Genetics (formerly Invitae), Labcorp
Classification: Uncertain significance. Last evaluated: 2022-11-23. Review status: criteria provided, single submitter. Criteria: Invitae Variant Classification Sherloc (09022015). Collection method: clinical testing. Allele origin: germline.
Comment: In summary, the available evidence is currently insufficient to determine the role of this variant in disease. Therefore, it has been classified as a Variant of Uncertain Significance. Variants that disrupt the consensus splice site are a relatively common cause of aberrant splicing (PMID: 17576681, 9536098). Algorithms developed to predict the effect of sequence changes on RNA splicing suggest that this variant may disrupt the consensus splice site. This variant has not been reported in the literature in individuals affected with CACNA2D4-related conditions. This variant is present in population databases (no rsID available, gnomAD 0.002%). This sequence change falls in intron 31 of the CACNA2D4 gene. It does not directly change the encoded amino acid sequence of the CACNA2D4 protein. It affects a nucleotide within the consensus splice site.

Literature cited by the submitters: PubMed 17576681 (cited by Labcorp Genetics (formerly Invitae), Labcorp); PubMed 9536098 (cited by Labcorp Genetics (formerly Invitae), Labcorp).

NM_172364.5(CACNA2D4):c.2869-12_2869-9del

Gene: CACNA2D4 (calcium voltage-gated channel auxiliary subunit alpha2delta 4; minus strand). Cytogenetic location: 12p13.33.
Variant type: Microsatellite.
Coding change: c.2869-12_2869-9del on transcript NM_172364.5 (MANE Select); 12 bases into the intron before coding-DNA position 2869 through 9 bases into the intron before coding-DNA position 2869, 4 bases deleted (TCTC; older notation c.2869-12_2869-9delTCTC).
Molecular consequence: intron variant.
Genome position (GRCh38, 1-based): chr12:1,800,447-1,800,450, GAGA deleted on the plus strand (TCTC on the coding strand, the reverse complement: CACNA2D4 is on the minus strand); deleting any 4 consecutive bases within chr12:1,800,447-1,800,453 gives the same sequence; the c. name uses the placement nearest the transcript's 3' end. VCF-style (leftmost placement, unchanged base first): chr12-1800446-GGAGA-G. GRCh37 (hg19) VCF-style: chr12-1909612-GGAGA-G.
Identifiers: ClinVar variation 1045639 (VCV001045639.9), dbSNP rs1378838357, ClinGen allele CA477857789.